The following is an entry in ClinVar:

ClinVar aggregate classification (germline): Pathogenic (1 of 4 stars; one submission).

Conditions:
LAMA2-related muscular dystrophy (LAMA2-RD). Also called: Laminin alpha 2-related dystrophy. Identifiers: MedGen C5679788, MONDO:0100228.

Submission:

Labcorp Genetics (formerly Invitae), Labcorp
Classification: Pathogenic for LAMA2-related muscular dystrophy. Last evaluated: 2024-01-29. Review status: criteria provided, single submitter. Criteria: Invitae Variant Classification Sherloc (09022015). Collection method: clinical testing. Allele origin: germline.
Comment: This sequence change creates a premature translational stop signal (p.Pro1111Leufs*28) in the LAMA2 gene. It is expected to result in an absent or disrupted protein product. Loss-of-function variants in LAMA2 are known to be pathogenic (PMID: 18700894, 32904964). This variant is not present in population databases (gnomAD no frequency). This variant has not been reported in the literature in individuals affected with LAMA2-related conditions. ClinVar contains an entry for this variant (Variation ID: 1073988). For these reasons, this variant has been classified as Pathogenic.

Literature cited by the submitters: PubMed 18700894; PubMed 32904964.

NM_000426.4(LAMA2):c.3332del (p.Pro1111fs)

Gene: LAMA2 (laminin subunit alpha 2; plus strand). Cytogenetic location: 6q22.33.
Variant type: Deletion.
Coding change: c.3332del on transcript NM_000426.4 (MANE Select); coding-DNA position 3332, one base deleted (C; older notation c.3332delC).
Protein change: p.Pro1111fs; shifts the reading frame from proline 1111.
Molecular consequence: frameshift variant.
Genome position (GRCh38, 1-based): chr6:129,313,018, C deleted; the last of 3 consecutive C bases (chr6:129,313,016-129,313,018); deleting any one gives the same sequence. VCF-style (leftmost placement, unchanged base first): chr6-129313015-TC-T. GRCh37 (hg19) VCF-style: chr6-129634160-TC-T.
Other names: c.3332del, p.Pro1111fs (NM_001079823.2); short protein forms P1111fs.
Identifiers: ClinVar variation 1073988 (VCV001073988.7), dbSNP rs2114494356, ClinGen allele CA2499218064.